The following is an entry in ClinVar:

ClinVar aggregate classification (germline): Likely benign (1 of 4 stars; one submission).

Conditions:
STXBP2-related disorder. Also called: STXBP2-related condition.

Submission:

PreventionGenetics, part of Exact Sciences
Classification: Likely benign for STXBP2-related condition. Last evaluated: 2026-09-22. Review status: criteria provided, single submitter. Criteria: ACMG Guidelines, 2015. Collection method: clinical testing. Allele origin: germline.
Comment: This variant is classified as likely benign based on ACMG/AMP sequence variant interpretation guidelines (Richards et al. 2015 PMID: 25741868, with internal and published modifications).

NM_006949.4(STXBP2):c.597C>T (p.Ala199=)

Gene: STXBP2 (syntaxin binding protein 2; plus strand). Cytogenetic location: 19p13.2.
Variant type: single nucleotide variant.
Coding change: c.597C>T on transcript NM_006949.4 (MANE Select); coding-DNA position 597, C replaced by T.
Protein change: p.Ala199=; no amino-acid change (alanine 199 retained).
Molecular consequence: synonymous variant. On other transcripts: non-coding transcript variant (1).
Genome position (GRCh38, 1-based): chr19:7,642,052, C>T. VCF-style: chr19-7642052-C-T. GRCh37 (hg19) VCF-style: chr19-7706938-C-T.
Other names: c.588C>T, p.Ala196= (NM_001127396.3); c.630C>T, p.Ala210= (NM_001272034.2); c.501C>T, p.Ala167= (NM_001414484.1).
Identifiers: ClinVar variation 4991688 (VCV004991688.1).